The following is an entry in ClinVar:

NM_000256.3(MYBPC3):c.104G>A (p.Arg35Gln)

Gene: MYBPC3 (myosin binding protein C3; minus strand). Cytogenetic location: 11p11.2.
Variant type: single nucleotide variant.
Coding change: c.104G>A on transcript NM_000256.3 (MANE Select); coding-DNA position 104, G replaced by A.
Protein change: p.Arg35Gln; replaces arginine 35 with glutamine.
Molecular consequence: missense variant.
Genome position (GRCh38, 1-based): chr11:47,351,427, C>T on the plus strand (G>A on the coding strand, the complement: MYBPC3 is on the minus strand). VCF-style: chr11-47351427-C-T. GRCh37 (hg19) VCF-style: chr11-47372978-C-T.
Other names: short protein forms R35Q.
Identifiers: ClinVar variation 42503 (VCV000042503.33), dbSNP rs397515885, ClinGen allele CA009727.

ClinVar aggregate classification (germline): Conflicting classifications of pathogenicity. Review status: criteria provided, conflicting classifications (1 of 4 stars). 10 submissions from 10 submitters: Uncertain significance (8); Benign (1); Likely benign (1). Last evaluated 2026-02-03.

Conditions:
Cardiovascular phenotype. Identifiers: MedGen CN230736.
Hypertrophic cardiomyopathy 4. Also called: Familial hypertrophic cardiomyopathy 4. Identifiers: MedGen C1861862, MONDO:0007268, OMIM 115197.
Left ventricular noncompaction 10 (LVNC10). Identifiers: Orphanet 154, Orphanet 54260, MedGen C3715165, MONDO:0014163, OMIM 615396.
Cardiomyopathy (CMYO). Also called: Cardiomyopathies. Identifiers: Orphanet 167848, MedGen C0878544, MONDO:0004994, HP:0001638. Inheritance: Various modes of inheritance.
Hypertrophic cardiomyopathy. Also called: HYPERTROPHIC MYOCARDIOPATHY. Identifiers: Orphanet 217569, MedGen C0007194, MeSH D002312, MONDO:0005045, HP:0001639.

Allele frequency attached by ClinVar (database versions not stated): ExAC 0.00008; 1000 Genomes Project 30x 0.00016; 1000 Genomes Project 0.00020; gnomAD 0.00004 and 0.00005; gnomAD exomes 0.00007; TOPMed 0.00007.
gnomAD v4.1: 106 of 1,609,824 alleles (0.0066%); highest among the groups gnomAD compares: East Asian, 0.02%; no homozygotes.

Submissions (10):

Labcorp Genetics (formerly Invitae), Labcorp
Classification: Uncertain significance for Hypertrophic cardiomyopathy. Last evaluated: 2026-02-03. Review status: criteria provided, single submitter. Criteria: Invitae Variant Classification Sherloc (09022015). Collection method: clinical testing. Allele origin: germline.
Comment: This sequence change replaces arginine, which is basic and polar, with glutamine, which is neutral and polar, at codon 35 of the MYBPC3 protein (p.Arg35Gln). This variant is present in population databases (rs397515885, gnomAD 0.07%), and has an allele count higher than expected for a pathogenic variant. This missense change has been observed in individual(s) with hypertrophic cardiomyopathy (PMID: 24111713, 27532257, 33782553, 37652022, 37937776). ClinVar contains an entry for this variant (Variation ID: 42503). An algorithm developed to predict the effect of missense changes on protein structure and function (PolyPhen-2) suggests that this variant is likely to be disruptive. In summary, the available evidence is currently insufficient to determine the role of this variant in disease. Therefore, it has been classified as a Variant of Uncertain Significance.

CeGaT Center for Human Genetics Tuebingen
Classification: Likely benign. Last evaluated: 2025-06-01. Review status: criteria provided, single submitter. Criteria: CeGaT Center For Human Genetics Tuebingen Variant Classification Criteria Version 2. Collection method: clinical testing. Allele origin: germline. Affected: yes. Observed: 1 variant allele.
Comment: MYBPC3: BS2

Color Diagnostics, LLC DBA Color Health
Classification: Uncertain significance for Cardiomyopathy. Last evaluated: 2024-09-23. Review status: criteria provided, single submitter. Criteria: ACMG Guidelines, 2015. Collection method: clinical testing. Allele origin: germline.
Comment: This missense variant replaces arginine with glutamine at codon 35 of the MYBPC3 protein. Computational prediction tools indicate that this variant has a deleterious impact on protein structure and function. To our knowledge, functional studies have not been reported for this variant. This variant has been reported in individuals affected with hypertrophic cardiomyopathy (PMID: 24111713, 27532257, 32841044, 32815737, 33495596). It has also been reported in an individual affected with sudden unexplained nocturnal death (PMID: 27707468) and in an individual affected with familial stroke (PMID: 36580209). This variant has been identified in 16/241052 chromosomes in the general population by the Genome Aggregation Database (gnomAD). The available evidence is insufficient to determine the role of this variant in disease conclusively. Therefore, this variant is classified as a Variant of Uncertain Significance.

Ambry Genetics
Classification: Benign for Cardiovascular phenotype. Last evaluated: 2024-09-06. Review status: criteria provided, single submitter. Criteria: Ambry Variant Classification Scheme 2023. Collection method: clinical testing. Allele origin: germline.

All of Us Research Program, National Institutes of Health
Classification: Uncertain significance for Hypertrophic cardiomyopathy. Last evaluated: 2024-08-29. Review status: criteria provided, single submitter. Criteria: ACMG Guidelines, 2015. Collection method: clinical testing. Allele origin: germline. Inheritance: Autosomal dominant inheritance. Observed: 14 variant alleles, 14 heterozygotes.
Comment: This missense variant replaces arginine with glutamine at codon 35 of the MYBPC3 protein. Computational prediction is inconclusive regarding the impact of this variant on protein structure and function (internally defined REVEL score threshold 0.5 < inconclusive < 0.7, PMID: 27666373). To our knowledge, functional studies have not been reported for this variant. This variant has been reported in individuals affected with hypertrophic cardiomyopathy (PMID: 24111713, 27532257, 32841044, 32815737, 33495596). It has also been reported in an individual affected with sudden unexplained nocturnal death (PMID: 27707468) and in an individual affected with familial stroke (PMID: 36580209). This variant has been identified in 16/241052 chromosomes in the general population by the Genome Aggregation Database (gnomAD). The available evidence is insufficient to determine the role of this variant in disease conclusively. Therefore, this variant is classified as a Variant of Uncertain Significance.

This study involves interpretation of variants in research participants for the purpose of population health screening. Participant phenotype was not available at the time of variant classification. Additional details can be found in publication PMID: 35346344, PMCID: PMC8962531

GeneDx
Classification: Uncertain significance. Last evaluated: 2024-04-19. Review status: criteria provided, single submitter. Criteria: GeneDx Variant Classification Process June 2021. Collection method: clinical testing. Allele origin: germline. Affected: yes.
Comment: In silico analysis supports that this missense variant does not alter protein structure/function; This variant is associated with the following publications: (PMID: 27532257, 27707468, 24111713, 33782553, 35653365)

Laboratory for Molecular Medicine, Mass General Brigham Personalized Medicine
Classification: Uncertain significance. Last evaluated: 2022-06-30. Review status: criteria provided, single submitter. Criteria: ACMG Guidelines, 2015. Collection method: clinical testing. Allele origin: germline.
Comment: The p.Arg35Gln variant in MYBPC3 has been reported in 4 individuals with hypertrophic cardiomyopathy, and at least 1 individual with HCM who was double heterozygous for a different likely pathogenic variant in MYBPC3 (Berge 2014 PMID: 24111713, Thompson 2021 PMID: 33782553, LMM data). It has also been identified in 0.07% (12/17642) of East Asian chromosomes by gnomAD. This variant has also been reported in ClinVar (Variation ID 42503). Computational prediction tools and conservation analyses do not provide strong support for or against an impact to the protein. In summary, the clinical significance of this variant is uncertain. ACMG/AMP Criteria applied: BP2.

Fulgent Genetics
Classification: Uncertain significance for Hypertrophic cardiomyopathy 4; Left ventricular noncompaction 10. Last evaluated: 2021-07-30. Review status: criteria provided, single submitter. Criteria: ACMG Guidelines, 2015. Collection method: clinical testing. Allele origin: unknown.

Mendelics
Classification: Uncertain significance for Hypertrophic cardiomyopathy 4. Last evaluated: 2019-05-28. Review status: criteria provided, single submitter. Criteria: Mendelics Assertion Criteria 2017. Collection method: clinical testing. Allele origin: unknown.

Stanford Center for Inherited Cardiovascular Disease, Stanford University
Classification: Uncertain significance. Last evaluated: 2016-10-11. Review status: criteria provided, single submitter. Criteria: ACMG Guidelines, 2015. Collection method: provider interpretation. Allele origin: germline.

Literature cited by the submitters: PubMed 24111713 (cited by 4 submitters); PubMed 27532257 (cited by 4 submitters); PubMed 33782553 (cited by Labcorp Genetics (formerly Invitae), Labcorp); PubMed 37652022 (cited by Labcorp Genetics (formerly Invitae), Labcorp); PubMed 37937776 (cited by Labcorp Genetics (formerly Invitae), Labcorp); PubMed 27707468 (cited by 3 submitters); PubMed 32815737 (cited by Color Diagnostics, LLC DBA Color Health and All of Us Research Program, National Institutes of Health); PubMed 32841044 (cited by Color Diagnostics, LLC DBA Color Health and All of Us Research Program, National Institutes of Health); PubMed 33495596 (cited by Color Diagnostics, LLC DBA Color Health and All of Us Research Program, National Institutes of Health); PubMed 36580209 (cited by Color Diagnostics, LLC DBA Color Health and All of Us Research Program, National Institutes of Health).